The following is an entry in ClinVar:

ClinVar aggregate classification (germline): Uncertain significance (1 of 4 stars; one submission).

Submission:

GeneDx
Classification: Uncertain significance. Last evaluated: 2023-01-11. Review status: criteria provided, single submitter. Criteria: GeneDx Variant Classification Process June 2021. Collection method: clinical testing. Allele origin: germline. Affected: yes.
Comment: Not observed at significant frequency in large population cohorts (gnomAD); In silico analysis supports that this missense variant has a deleterious effect on protein structure/function; Has not been previously published as pathogenic or benign to our knowledge

NM_000212.3(ITGB3):c.2030A>T (p.Asp677Val)

Gene: ITGB3 (integrin subunit beta 3; plus strand). Cytogenetic location: 17q21.32.
Variant type: single nucleotide variant.
Coding change: c.2030A>T on transcript NM_000212.3 (MANE Select); coding-DNA position 2030, A replaced by T.
Protein change: p.Asp677Val; replaces aspartic acid 677 with valine.
Molecular consequence: missense variant.
Genome position (GRCh38, 1-based): chr17:47,302,736, A>T. VCF-style: chr17-47302736-A-T. GRCh37 (hg19) VCF-style: chr17-45380102-A-T.
Other names: short protein forms D677V.
Identifiers: ClinVar variation 2572708 (VCV002572708.1), dbSNP rs2547622213, ClinGen allele CA400033102.
Genomic context (GRCh38, chr17:47,302,736, plus strand): 5'-CAGTAGTTGTCTCACTTTTTATTCCTCCATTTTCCCTACTCCCAGAGGACACTGGCAAGG[A>T]TGCAGTGAATTGTACCTATAAGAATGAGGATGACTGTGTCGTCAGATTCCAGTACTATGA-3'
Protein context (NP_000203.2, residues 667-687): SVKELKDTGK[Asp677Val]AVNCTYKNED